The following is an entry in ClinVar:

NM_014915.3(ANKRD26):c.3065A>G (p.Gln1022Arg)

Gene: ANKRD26 (ankyrin repeat domain containing 26; minus strand). Cytogenetic location: 10p12.1.
Variant type: single nucleotide variant.
Coding change: c.3065A>G on transcript NM_014915.3 (MANE Select); coding-DNA position 3065, A replaced by G.
Protein change: p.Gln1022Arg; replaces glutamine 1022 with arginine.
Molecular consequence: missense variant.
Genome position (GRCh38, 1-based): chr10:27,035,385, T>C on the plus strand (A>G on the coding strand, the complement: ANKRD26 is on the minus strand). VCF-style: chr10-27035385-T-C. GRCh37 (hg19) VCF-style: chr10-27324314-T-C.
Other names: c.3062A>G, p.Gln1021Arg (NM_001256053.2); short protein forms Q1021R, Q1022R.
Identifiers: ClinVar variation 3868752 (VCV003868752.1).

ClinVar aggregate classification (germline): Uncertain significance (1 of 4 stars; one submission).

Conditions:
Inborn genetic diseases. Identifiers: MedGen C0950123, MeSH D030342.

Submission:

Ambry Genetics
Classification: Uncertain significance for Inborn genetic diseases. Last evaluated: 2025-01-25. Review status: criteria provided, single submitter. Criteria: Ambry Variant Classification Scheme 2023. Collection method: clinical testing. Allele origin: germline.
Comment: The p.Q1022R variant (also known as c.3065A>G), located in coding exon 24 of the ANKRD26 gene, results from an A to G substitution at nucleotide position 3065. The glutamine at codon 1022 is replaced by arginine, an amino acid with highly similar properties. This amino acid position is conserved. In addition, this alteration is predicted to be tolerated by in silico analysis. Based on the available evidence, the clinical significance of this variant remains unclear.